The following is an entry in ClinVar:

ClinVar aggregate classification (germline): Uncertain significance. Review status: criteria provided, multiple submitters, no conflicts (2 of 4 stars). 2 submissions from 2 submitters: Uncertain significance (2). Last evaluated 2024-04-27.

Conditions:
Inborn genetic diseases. Identifiers: MedGen C0950123, MeSH D030342.

gnomAD v4.1: 2 of 1,613,656 alleles (0.00012%); highest among the groups gnomAD compares: Non-Finnish European, 0.00017%; no homozygotes.

Submissions (2):

Ambry Genetics
Classification: Uncertain significance for Inborn genetic diseases. Last evaluated: 2024-04-27. Review status: criteria provided, single submitter. Criteria: Ambry Variant Classification Scheme 2023. Collection method: clinical testing. Allele origin: germline.
Comment: The p.L1155M variant (also known as c.3463T>A), located in coding exon 18 of the ATR gene, results from a T to A substitution at nucleotide position 3463. The leucine at codon 1155 is replaced by methionine, an amino acid with highly similar properties. This amino acid position is conserved. In addition, this alteration is predicted to be tolerated by in silico analysis. Since supporting evidence is limited at this time, the clinical significance of this alteration remains unclear.

Labcorp Genetics (formerly Invitae), Labcorp
Classification: Uncertain significance. Last evaluated: 2024-02-16. Review status: criteria provided, single submitter. Criteria: Invitae Variant Classification Sherloc (09022015). Collection method: clinical testing. Allele origin: germline.
Comment: This sequence change replaces leucine, which is neutral and non-polar, with methionine, which is neutral and non-polar, at codon 1155 of the ATR protein (p.Leu1155Met). This variant is present in population databases (no rsID available, gnomAD 0.0009%). This variant has not been reported in the literature in individuals affected with ATR-related conditions. ClinVar contains an entry for this variant (Variation ID: 1731659). An algorithm developed to predict the effect of missense changes on protein structure and function (PolyPhen-2) suggests that this variant is likely to be disruptive. In summary, the available evidence is currently insufficient to determine the role of this variant in disease. Therefore, it has been classified as a Variant of Uncertain Significance.

NM_001184.4(ATR):c.3463T>A (p.Leu1155Met)

Gene: ATR (ATR checkpoint kinase; minus strand). Cytogenetic location: 3q23.
Variant type: single nucleotide variant.
Coding change: c.3463T>A on transcript NM_001184.4 (MANE Select); coding-DNA position 3463, T replaced by A.
Protein change: p.Leu1155Met; replaces leucine 1155 with methionine.
Molecular consequence: missense variant.
Genome position (GRCh38, 1-based): chr3:142,541,022, A>T on the plus strand (T>A on the coding strand, the complement: ATR is on the minus strand). VCF-style: chr3-142541022-A-T. GRCh37 (hg19) VCF-style: chr3-142259864-A-T.
Other names: c.3271T>A, p.Leu1091Met (NM_001354579.2); short protein forms L1155M, L1091M.
Identifiers: ClinVar variation 1731659 (VCV001731659.7), dbSNP rs1209257747, ClinGen allele CA354807976.